The following is an entry in ClinVar:

ClinVar aggregate classification (germline): Uncertain significance (1 of 4 stars; one submission).

Conditions:
Dilated cardiomyopathy 1DD (CMD1DD). Identifiers: Orphanet 154, MedGen C2750995, MONDO:0013168, OMIM 613172.

Submission:

Labcorp Genetics (formerly Invitae), Labcorp
Classification: Uncertain significance for Dilated cardiomyopathy 1DD. Last evaluated: 2021-01-24. Review status: criteria provided, single submitter. Criteria: Invitae Variant Classification Sherloc (09022015). Collection method: clinical testing. Allele origin: germline.
Comment: This sequence change replaces proline with leucine at codon 1039 of the RBM20 protein (p.Pro1039Leu). The proline residue is moderately conserved and there is a moderate physicochemical difference between proline and leucine. In summary, the available evidence is currently insufficient to determine the role of this variant in disease. Therefore, it has been classified as a Variant of Uncertain Significance. Advanced modeling of protein sequence and biophysical properties (such as structural, functional, and spatial information, amino acid conservation, physicochemical variation, residue mobility, and thermodynamic stability) performed at Invitae indicates that this missense variant is not expected to disrupt RBM20 protein function. This variant has not been reported in the literature in individuals with RBM20-related conditions. This variant is not present in population databases (ExAC no frequency).

NM_001134363.3(RBM20):c.3116C>T (p.Pro1039Leu)

Gene: RBM20 (RNA binding motif protein 20; plus strand). Cytogenetic location: 10q25.2.
Variant type: single nucleotide variant.
Coding change: c.3116C>T on transcript NM_001134363.3 (MANE Select); coding-DNA position 3116, C replaced by T.
Protein change: p.Pro1039Leu; replaces proline 1039 with leucine.
Molecular consequence: missense variant.
Genome position (GRCh38, 1-based): chr10:110,821,735, C>T. VCF-style: chr10-110821735-C-T. GRCh37 (hg19) VCF-style: chr10-112581493-C-T.
Other names: short protein forms P1039L.
Identifiers: ClinVar variation 1474350 (VCV001474350.8), dbSNP rs2135122079, ClinGen allele CA378381041.